The following is an entry in ClinVar:

NM_000277.3(PAH):c.332G>A (p.Arg111Gln)

Gene: PAH (phenylalanine hydroxylase; minus strand). Cytogenetic location: 12q23.2.
Variant type: single nucleotide variant.
Coding change: c.332G>A on transcript NM_000277.3 (MANE Select); coding-DNA position 332, G replaced by A.
Protein change: p.Arg111Gln; replaces arginine 111 with glutamine.
Molecular consequence: missense variant.
Genome position (GRCh38, 1-based): chr12:102,894,755, C>T on the plus strand (G>A on the coding strand, the complement: PAH is on the minus strand). VCF-style: chr12-102894755-C-T. GRCh37 (hg19) VCF-style: chr12-103288533-C-T.
Other names: c.332G>A (NM_000277.2); c.332G>A, p.Arg111Gln (NM_001354304.2); short protein forms R111Q.
Identifiers: ClinVar variation 2506173 (VCV002506173.3), dbSNP rs868854935, ClinGen allele CA242509652.

ClinVar aggregate classification (germline): Conflicting classifications of pathogenicity. Review status: criteria provided, conflicting classifications (1 of 4 stars). 3 submissions from 3 submitters: Likely pathogenic (1); Uncertain significance (2). Last evaluated 2026-05-26.

Conditions:
Phenylketonuria (PKU). Also called: FOLLING DISEASE; Phenylketonurias; Phenylketonuria (PKU); OLIGOPHRENIA PHENYLPYRUVICA. Identifiers: Orphanet 716, MedGen C0031485, MONDO:0009861, OMIM 261600. Disease mechanism: loss of function.

Allele frequency attached by ClinVar (database versions not stated): gnomAD exomes below 0.00001; gnomAD 0.00001; TOPMed 0.00002.
gnomAD v4.1: 7 of 1,613,880 alleles (0.00043%); highest among the groups gnomAD compares: East Asian, 0.0067%; no homozygotes.

Submissions (3):

Myriad Genetics, Inc.
Classification: Uncertain significance for Phenylketonuria. Last evaluated: 2026-05-26. Review status: criteria provided, single submitter. Criteria: Myriad Autosomal Dominant, Autosomal Recessive and X-Linked Classification Criteria (2023). Collection method: clinical testing. Allele origin: unknown.
Comment: NM_000277.1(PAH):c.332G>A(R111Q) is a missense variant classified as a variant of uncertain significance in the context of phenylalanine hydroxylase deficiency. R111Q has been observed in cases with relevant disease (PMID: 37004080, 37204857, 36246604, 30747360, 35869558). Relevant functional assessments of this variant are not available in the literature. R111Q has been observed in referenced population frequency databases. In summary, there is insufficient evidence to classify NM_000277.1(PAH):c.332G>A(R111Q) as pathogenic or benign. Please note: this variant was assessed in the context of healthy population screening.

Natera, Inc.
Classification: Likely pathogenic for Phenylketonuria. Last evaluated: 2025-12-15. Review status: criteria provided, single submitter. Criteria: Natera Variant Classification Schema (03/2026). Collection method: clinical testing. Allele origin: germline.
Comment: The c.332G>A variant in PAH is a missense variant predicted to cause substitution of arginine to glutamine at amino acid 111. This variant is rare in the general population with a frequency below the threshold expected for the associated phenotype(s). This variant has been observed in one or more individuals affected with the associated recessive disease, as either homozygous or compound heterozygous with a second variant (PMID: 37204857, 37004080, 3624660). Computational prediction algorithms indicate this variant is likely to affect gene or protein function. Given the available evidence, this variant is classified as Likely Pathogenic.

Women's Health and Genetics/Laboratory Corporation of America, LabCorp
Classification: Uncertain significance. Last evaluated: 2023-05-02. Review status: criteria provided, single submitter. Criteria: LabCorp Variant Classification Summary - May 2015. Collection method: clinical testing. Allele origin: germline.
Comment: Variant summary: PAH c.332G>A (p.Arg111Gln) results in a conservative amino acid change located in the ACT domain (IPR002912) of the encoded protein sequence. Three of five in-silico tools predict a damaging effect of the variant on protein function. The variant allele was found at a frequency of 8e-06 in 251436 control chromosomes. The available data on variant occurrences in the general population are insufficient to allow any conclusion about variant significance. c.332G>A has been reported in the literature in compound heterozygous individuals affected with Phenylalanine Hydroxylase Deficiency (Phenylketonuria), reportedly as a VUS, with another pathogenic allele, or in the presence of other causative pathogenic alleles (Yan_2019, Gao_2022, Zhang_2022). These data do not allow any conclusion about variant significance. To our knowledge, no experimental evidence demonstrating an impact on protein function has been reported. The following publications have been ascertained in the context of this evaluation (PMID: 35869558, 30747360, 36246604). No clinical diagnostic laboratories have submitted clinical-significance assessments for this variant to ClinVar after 2014. Based on the evidence outlined above, the variant was classified as uncertain significance.

Literature cited by the submitters: PubMed 30747360 (cited by Myriad Genetics, Inc. and Women's Health and Genetics/Laboratory Corporation of America, LabCorp); PubMed 35869558 (cited by Myriad Genetics, Inc. and Women's Health and Genetics/Laboratory Corporation of America, LabCorp); PubMed 36246604 (cited by Myriad Genetics, Inc. and Women's Health and Genetics/Laboratory Corporation of America, LabCorp); PubMed 37004080 (cited by Myriad Genetics, Inc. and Natera, Inc.); PubMed 37204857 (cited by Myriad Genetics, Inc. and Natera, Inc.); PubMed 3624660 (cited by Natera, Inc.).